The following is an entry in ClinVar:

ClinVar aggregate classification (germline): Uncertain significance (1 of 4 stars; one submission).

Conditions:
Severe combined immunodeficiency due to IKK2 deficiency. Also called: IMMUNODEFICIENCY 15B; Immunodeficiency 15. Identifiers: Orphanet 397787, MedGen C4747743, MONDO:0014267, OMIM 615592.

Allele frequency attached by ClinVar (database versions not stated): gnomAD exomes below 0.00001.
gnomAD v4.1: 6 of 1,612,660 alleles (0.00037%); highest among the groups gnomAD compares: Non-Finnish European, 0.00051%; no homozygotes.

Submission:

Labcorp Genetics (formerly Invitae), Labcorp
Classification: Uncertain significance for Severe combined immunodeficiency due to IKK2 deficiency. Last evaluated: 2019-06-12. Review status: criteria provided, single submitter. Criteria: Invitae Variant Classification Sherloc (09022015). Collection method: clinical testing. Allele origin: germline.
Comment: In summary, the available evidence is currently insufficient to determine the role of this variant in disease. Therefore, it has been classified as a Variant of Uncertain Significance. Algorithms developed to predict the effect of missense changes on protein structure and function are either unavailable or do not agree on the potential impact of this missense change (SIFT: "Tolerated"; PolyPhen-2: "Probably Damaging"; Align-GVGD: "Class C0"). This variant has not been reported in the literature in individuals with IKBKB-related conditions. This variant is not present in population databases (ExAC no frequency). This sequence change replaces glutamine with arginine at codon 154 of the IKBKB protein (p.Gln154Arg). The glutamine residue is highly conserved and there is a small physicochemical difference between glutamine and arginine.

NM_001556.3(IKBKB):c.461A>G (p.Gln154Arg)

Gene: IKBKB (inhibitor of nuclear factor kappa B kinase subunit beta; plus strand). Cytogenetic location: 8p11.21.
Variant type: single nucleotide variant.
Coding change: c.461A>G on transcript NM_001556.3 (MANE Select); coding-DNA position 461, A replaced by G.
Protein change: p.Gln154Arg; replaces glutamine 154 with arginine.
Molecular consequence: missense variant. On other transcripts: non-coding transcript variant (3).
Genome position (GRCh38, 1-based): chr8:42,305,259, A>G. VCF-style: chr8-42305259-A-G. GRCh37 (hg19) VCF-style: chr8-42162777-A-G.
Other names: c.269A>G, p.Gln90Arg (NM_001190720.3); c.284A>G, p.Gln95Arg (NM_001242778.2); short protein forms Q90R, Q95R, Q154R.
Identifiers: ClinVar variation 948722 (VCV000948722.7), dbSNP rs1425985153, ClinGen allele CA371094482.